The following is an entry in ClinVar:

ClinVar aggregate classification (germline): Uncertain significance (1 of 4 stars; one submission).

Conditions:
Autosomal recessive limb-girdle muscular dystrophy type 2J (LGMDR10). Also called: MUSCULAR DYSTROPHY, LIMB-GIRDLE, AUTOSOMAL RECESSIVE 10; Limb-girdle muscular dystrophy, type 2J. Identifiers: Orphanet 140922, MedGen C1837342, MONDO:0012127, OMIM 608807.
Dilated cardiomyopathy 1G (CMD1G). Identifiers: Orphanet 154, MedGen C1858763, MONDO:0011400, OMIM 604145.

gnomAD v4.1: 1 of 1,613,798 alleles (0.000062%); highest among the groups gnomAD compares: Middle Eastern, 0.016%; no homozygotes.

Submission:

Labcorp Genetics (formerly Invitae), Labcorp
Classification: Uncertain significance for Dilated cardiomyopathy 1G; Autosomal recessive limb-girdle muscular dystrophy type 2J. Last evaluated: 2025-05-17. Review status: criteria provided, single submitter. Criteria: Invitae Variant Classification Sherloc (09022015). Collection method: clinical testing. Allele origin: germline.
Comment: This sequence change replaces valine, which is neutral and non-polar, with alanine, which is neutral and non-polar, at codon 34232 of the TTN protein (p.Val34232Ala). This variant is not present in population databases (gnomAD no frequency). This variant has not been reported in the literature in individuals affected with TTN-related conditions. Experimental studies and prediction algorithms are not available or were not evaluated, and the functional significance of this variant is currently unknown. This variant is located in the M band of TTN (PMID: 25589632). Non-truncating variants in this region may be relevant for neuromuscular disorders, but have not been definitively shown to cause cardiomyopathy (PMID: 23975875). In summary, the available evidence is currently insufficient to determine the role of this variant in disease. Therefore, it has been classified as a Variant of Uncertain Significance.

Literature cited by the submitters: PubMed 25589632; PubMed 23975875.

NM_001267550.2(TTN):c.102695T>C (p.Val34232Ala)

Genes: TTN (titin; minus strand), TTN-AS1 (TTN antisense RNA 1; plus strand). Cytogenetic location: 2q31.2.
Variant type: single nucleotide variant.
Coding change: c.102695T>C on transcript NM_001267550.2 (MANE Select); coding-DNA position 102695, T replaced by C.
Protein change: p.Val34232Ala; replaces valine 34232 with alanine.
Molecular consequence: missense variant.
Genome position (GRCh38, 1-based): chr2:178,533,920, A>G on the plus strand (T>C on the coding strand, the complement: TTN is on the minus strand). VCF-style: chr2-178533920-A-G. GRCh37 (hg19) VCF-style: chr2-179398647-A-G.
Other names: c.97772T>C, p.Val32591Ala (NM_001256850.1); c.75500T>C, p.Val25167Ala (NM_003319.4); c.94991T>C, p.Val31664Ala (NM_133378.4); c.75875T>C, p.Val25292Ala (NM_133432.3); c.76076T>C, p.Val25359Ala (NM_133437.4); short protein forms V31664A, V25167A, V25292A, V32591A, V25359A, V34232A.
Identifiers: ClinVar variation 4793021 (VCV004793021.1).
Genomic context (GRCh38, chr2:178,533,920, plus strand): 5'-CTCATTGTGTCTGTTCTGCGCTTAATTTTCTTCATGGTTCTACGGCAGTAATAGTCATAG[A>G]CTTCTCTCACACCTTTAACAAATAGCTCTGCATAAGAACTGTCTTCACCATAGTCATTGA-3'
Protein context (NP_001254479.2, residues 34222-34242): AELFVKGVRE[Val34232Ala]YDYYCRRTMK